The following is an entry in ClinVar:

ClinVar aggregate classification (germline): Likely benign (1 of 4 stars; one submission).

Allele frequency attached by ClinVar (database versions not stated): gnomAD exomes 0.00001; ExAC 0.00002; TOPMed 0.00002.
gnomAD v4.1: 14 of 1,614,184 alleles (0.00087%); highest among the groups gnomAD compares: Admixed American, 0.012%; no homozygotes.

Submission:

CeGaT Center for Human Genetics Tuebingen
Classification: Likely benign. Last evaluated: 2022-08-01. Review status: criteria provided, single submitter. Criteria: CeGaT Center For Human Genetics Tuebingen Variant Classification Criteria Version 2. Collection method: clinical testing. Allele origin: germline. Affected: yes. Observed: 1 variant allele.
Comment: ANKRD11: BP4, BP7

NM_013275.6(ANKRD11):c.720C>T (p.Asp240=)

Gene: ANKRD11 (ankyrin repeat domain 11; minus strand). Cytogenetic location: 16q24.3.
Variant type: single nucleotide variant.
Coding change: c.720C>T on transcript NM_013275.6 (MANE Select); coding-DNA position 720, C replaced by T.
Protein change: p.Asp240=; no amino-acid change (aspartic acid 240 retained).
Molecular consequence: synonymous variant. On other transcripts: non-coding transcript variant (1).
Genome position (GRCh38, 1-based): chr16:89,288,552, G>A on the plus strand (C>T on the coding strand, the complement: ANKRD11 is on the minus strand). VCF-style: chr16-89288552-G-A. GRCh37 (hg19) VCF-style: chr16-89354960-G-A.
Other names: c.720C>T, p.Asp240= (NM_001256182.2, NM_001256183.2).
Identifiers: ClinVar variation 2647095 (VCV002647095.24), dbSNP rs768119588, ClinGen allele CA8243007.